The following is an entry in ClinVar:

ClinVar aggregate classification (germline): Conflicting classifications of pathogenicity. Review status: criteria provided, conflicting classifications (1 of 4 stars). 5 submissions from 5 submitters: Uncertain significance (1); Likely benign (3). 1 of the submissions does not count toward it. Last evaluated 2026-01-24.

Conditions:
Inborn genetic diseases. Identifiers: MedGen C0950123, MeSH D030342.
Autosomal recessive severe congenital neutropenia due to CSF3R deficiency. Also called: Neutropenia, severe congenital, 7, autosomal recessive. Identifiers: Orphanet 420702, MedGen C4310764, MONDO:0014865, OMIM 617014.
CSF3R-related disorder. Also called: CSF3R-related condition.

Allele frequency attached by ClinVar (database versions not stated): gnomAD exomes 0.00010 and 0.00025; ExAC 0.00036; 1000 Genomes Project 0.00060; 1000 Genomes Project 30x 0.00062; ESP Exome Variant Server 0.00108; gnomAD 0.00118 and 0.00133; TOPMed 0.00128.
gnomAD v4.1: 327 of 1,608,076 alleles (0.02%); highest among the groups gnomAD compares: African/African-American, 0.4%; 1 homozygote.

Submissions (5):

Labcorp Genetics (formerly Invitae), Labcorp
Classification: Likely benign for Autosomal recessive severe congenital neutropenia due to CSF3R deficiency. Last evaluated: 2026-01-24. Review status: criteria provided, single submitter. Criteria: Invitae Variant Classification Sherloc (09022015). Collection method: clinical testing. Allele origin: germline.

Blueprint Genetics
Classification: Likely benign. Last evaluated: 2024-06-11. Review status: criteria provided, single submitter. Criteria: ACMG Guidelines, 2015. Collection method: clinical testing. Allele origin: germline.

Ambry Genetics
Classification: Uncertain significance for Inborn genetic diseases. Last evaluated: 2023-06-01. Review status: criteria provided, single submitter. Criteria: Ambry Variant Classification Scheme 2023. Collection method: clinical testing. Allele origin: germline.

Breakthrough Genomics
Classification: Likely benign. Review status: criteria provided, single submitter. Criteria: ACMG Guidelines, 2015. Collection method: not provided. Allele origin: germline. Inheritance: Autosomal recessive inheritance. Affected: yes.

PreventionGenetics, part of Exact Sciences
Classification: Likely benign for CSF3R-related condition. Last evaluated: 2023-11-27. Review status: no assertion criteria provided. Collection method: clinical testing. Allele origin: germline. Not counted in ClinVar's aggregate classification.
Comment: This variant is classified as likely benign based on ACMG/AMP sequence variant interpretation guidelines (Richards et al. 2015 PMID: 25741868, with internal and published modifications).

NM_000760.4(CSF3R):c.704T>C (p.Met235Thr)

Gene: CSF3R (colony stimulating factor 3 receptor; minus strand). Cytogenetic location: 1p34.3.
Variant type: single nucleotide variant.
Coding change: c.704T>C on transcript NM_000760.4 (MANE Select); coding-DNA position 704, T replaced by C.
Protein change: p.Met235Thr; replaces methionine 235 with threonine.
Molecular consequence: missense variant.
Genome position (GRCh38, 1-based): chr1:36,472,656, A>G on the plus strand (T>C on the coding strand, the complement: CSF3R is on the minus strand). VCF-style: chr1-36472656-A-G. GRCh37 (hg19) VCF-style: chr1-36938257-A-G.
Other names: c.704T>C, p.Met235Thr (NM_156039.3, NM_172313.3); short protein forms M235T.
Identifiers: ClinVar variation 787744 (VCV000787744.16), dbSNP rs141729889, ClinGen allele CA769401.